The following is an entry in ClinVar:

NM_001261826.3(AP3D1):c.2710C>T (p.Pro904Ser)

Gene: AP3D1 (adaptor related protein complex 3 subunit delta 1; minus strand). Cytogenetic location: 19p13.3.
Variant type: single nucleotide variant.
Coding change: c.2710C>T on transcript NM_001261826.3 (MANE Select); coding-DNA position 2710, C replaced by T.
Protein change: p.Pro904Ser; replaces proline 904 with serine.
Molecular consequence: missense variant. On other transcripts: intron variant (2).
Genome position (GRCh38, 1-based): chr19:2,112,937, G>A on the plus strand (C>T on the coding strand, the complement: AP3D1 is on the minus strand). VCF-style: chr19-2112937-G-A. GRCh37 (hg19) VCF-style: chr19-2112936-G-A.
Other names: c.2602-1109C>T (NM_003938.8); c.2680-6C>T (NM_001374799.1); short protein forms P904S.
Identifiers: ClinVar variation 1498638 (VCV001498638.8), dbSNP rs768606560, ClinGen allele CA403206368.

ClinVar aggregate classification (germline): Uncertain significance (1 of 4 stars; one submission).

Allele frequency attached by ClinVar (database versions not stated): gnomAD exomes below 0.00001.
gnomAD v4.1: 2 of 1,613,056 alleles (0.00012%); highest among the groups gnomAD compares: Admixed American, 0.0017%; no homozygotes.

Submission:

Labcorp Genetics (formerly Invitae), Labcorp
Classification: Uncertain significance. Last evaluated: 2022-03-19. Review status: criteria provided, single submitter. Criteria: Invitae Variant Classification Sherloc (09022015). Collection method: clinical testing. Allele origin: germline.
Comment: This sequence change replaces proline, which is neutral and non-polar, with serine, which is neutral and polar, at codon 904 of the AP3D1 protein (p.Pro904Ser). This variant is not present in population databases (gnomAD no frequency). This variant has not been reported in the literature in individuals affected with AP3D1-related conditions. Algorithms developed to predict the effect of missense changes on protein structure and function output the following: SIFT: "Tolerated"; PolyPhen-2: "Benign"; Align-GVGD: "Class C0". The serine amino acid residue is found in multiple mammalian species, which suggests that this missense change does not adversely affect protein function. In summary, the available evidence is currently insufficient to determine the role of this variant in disease. Therefore, it has been classified as a Variant of Uncertain Significance.